The following is an entry in ClinVar:

ClinVar aggregate classification (germline): Likely benign (1 of 4 stars; one submission).

gnomAD v4.1: 4 of 1,614,160 alleles (0.00025%); highest among the groups gnomAD compares: South Asian, 0.0033%; no homozygotes.

Submission:

CeGaT Center for Human Genetics Tuebingen
Classification: Likely benign. Last evaluated: 2024-09-01. Review status: criteria provided, single submitter. Criteria: CeGaT Center For Human Genetics Tuebingen Variant Classification Criteria Version 2. Collection method: clinical testing. Allele origin: germline. Affected: yes. Observed: 1 variant allele.
Comment: KMT2A: BP4, BP7

NM_001197104.2(KMT2A):c.9141G>A (p.Gln3047=)

Gene: KMT2A (lysine methyltransferase 2A; plus strand). Cytogenetic location: 11q23.3.
Variant type: single nucleotide variant.
Coding change: c.9141G>A on transcript NM_001197104.2 (MANE Select); coding-DNA position 9141, G replaced by A.
Protein change: p.Gln3047=; no amino-acid change (glutamine 3047 retained).
Molecular consequence: synonymous variant.
Genome position (GRCh38, 1-based): chr11:118,505,033, G>A. VCF-style: chr11-118505033-G-A. GRCh37 (hg19) VCF-style: chr11-118375748-G-A.
Other names: c.9231G>A, p.Gln3077= (NM_001412597.1); c.9132G>A, p.Gln3044= (NM_005933.4).
Identifiers: ClinVar variation 3389562 (VCV003389562.14).
Genomic context (GRCh38, chr11:118,505,033, plus strand): 5'-GAACAGTAGCACCCCTGGCCTTCAGGTACCTGTTTCCCCAACTGTTCCCATCCAGAACCA[G>A]AAGTATGTGCCCAATTCTACTGATAGTCCTGGCCCGTCTCAGATTTCCAATGCAGCTGTC-3'
Protein context (NP_001184033.1, residues 3037-3057): PVSPTVPIQN[Gln3047=]KYVPNSTDSP